The following is an entry in ClinVar:

NM_080424.4(SP110):c.1751G>A (p.Gly584Glu)

Gene: SP110 (SP110 nuclear body protein; minus strand). Cytogenetic location: 2q37.1.
Variant type: single nucleotide variant.
Coding change: c.1751G>A on transcript NM_080424.4 (MANE Select); coding-DNA position 1751, G replaced by A.
Protein change: p.Gly584Glu; replaces glycine 584 with glutamic acid.
Molecular consequence: missense variant.
Genome position (GRCh38, 1-based): chr2:230,172,130, C>T on the plus strand (G>A on the coding strand, the complement: SP110 is on the minus strand). VCF-style: chr2-230172130-C-T. GRCh37 (hg19) VCF-style: chr2-231036846-C-T.
Other names: c.1769G>A, p.Gly590Glu (NM_001378442.1, NM_001378444.1, NM_001378445.1 and 1 more transcripts); c.1751G>A, p.Gly584Glu (NM_001378443.1, NM_004509.5); short protein forms G584E, G590E.
Identifiers: ClinVar variation 2098193 (VCV002098193.4), dbSNP rs2078460485, ClinGen allele CA350900548.

ClinVar aggregate classification (germline): Uncertain significance (1 of 4 stars; one submission).

Conditions:
Hepatic veno-occlusive disease-immunodeficiency syndrome. Also called: Hepatic Veno-Occlusive Disease with Immunodeficiency. Identifiers: Orphanet 79124, MedGen C1856128, MONDO:0009338, OMIM 235550. Disease mechanism: loss of function.

Submission:

Labcorp Genetics (formerly Invitae), Labcorp
Classification: Uncertain significance for Hepatic veno-occlusive disease-immunodeficiency syndrome. Last evaluated: 2022-06-23. Review status: criteria provided, single submitter. Criteria: Invitae Variant Classification Sherloc (09022015). Collection method: clinical testing. Allele origin: germline.
Comment: In summary, the available evidence is currently insufficient to determine the role of this variant in disease. Therefore, it has been classified as a Variant of Uncertain Significance. Algorithms developed to predict the effect of missense changes on protein structure and function output the following: SIFT: "Tolerated"; PolyPhen-2: "Benign"; Align-GVGD: "Class C0". The glutamic acid amino acid residue is found in multiple mammalian species, which suggests that this missense change does not adversely affect protein function. This variant has not been reported in the literature in individuals affected with SP110-related conditions. This variant is not present in population databases (gnomAD no frequency). This sequence change replaces glycine, which is neutral and non-polar, with glutamic acid, which is acidic and polar, at codon 584 of the SP110 protein (p.Gly584Glu).